The following is an entry in ClinVar:

NM_003070.5(SMARCA2):c.334C>T (p.Pro112Ser)

Gene: SMARCA2 (SWI/SNF related, matrix associated, actin dependent regulator of chromatin, subfamily a, member 2; plus strand). Cytogenetic location: 9p24.3.
Variant type: single nucleotide variant.
Coding change: c.334C>T on transcript NM_003070.5 (MANE Select); coding-DNA position 334, C replaced by T.
Protein change: p.Pro112Ser; replaces proline 112 with serine.
Molecular consequence: missense variant.
Genome position (GRCh38, 1-based): chr9:2,033,060, C>T. VCF-style: chr9-2033060-C-T. GRCh37 (hg19) VCF-style: chr9-2033060-C-T.
Other names: c.334C>T, p.Pro112Ser (NM_001289396.2, NM_001289397.2, NM_139045.4); short protein forms P112S.
Identifiers: ClinVar variation 1308195 (VCV001308195.2), dbSNP rs2130202272, ClinGen allele CA372779675.

ClinVar aggregate classification (germline): Uncertain significance (1 of 4 stars; one submission).

Submission:

GeneDx
Classification: Uncertain significance. Last evaluated: 2019-09-12. Review status: criteria provided, single submitter. Criteria: GeneDx Variant Classification Process June 2021. Collection method: clinical testing. Allele origin: germline. Affected: yes.
Comment: Not observed in large population cohorts (Lek et al., 2016); In silico analysis, which includes protein predictors and evolutionary conservation, supports a deleterious effect; Has not been previously published as pathogenic or benign to our knowledge